The following is an entry in ClinVar:

NM_006361.6(HOXB13):c.747C>A (p.Ile249=)

Gene: HOXB13 (homeobox B13; minus strand). Cytogenetic location: 17q21.32.
Variant type: single nucleotide variant.
Coding change: c.747C>A on transcript NM_006361.6 (MANE Select); coding-DNA position 747, C replaced by A.
Protein change: p.Ile249=; no amino-acid change (isoleucine 249 retained).
Molecular consequence: synonymous variant.
Genome position (GRCh38, 1-based): chr17:48,726,898, G>T on the plus strand (C>A on the coding strand, the complement: HOXB13 is on the minus strand). VCF-style: chr17-48726898-G-T. GRCh37 (hg19) VCF-style: chr17-46804260-G-T.
Identifiers: ClinVar variation 3773047 (VCV003773047.2).

ClinVar aggregate classification (germline): Benign/Likely benign. Review status: criteria provided, multiple submitters, no conflicts (2 of 4 stars). 2 submissions from 2 submitters: Benign (1); Likely benign (1). Last evaluated 2025-09-17.

Conditions:
Hereditary cancer-predisposing syndrome. Also called: Neoplastic Syndromes, Hereditary; Tumor predisposition; Hereditary Cancer Syndrome; Hereditary neoplastic syndrome. Identifiers: Orphanet 140162, MedGen C0027672, MeSH D009386, MONDO:0015356.
Prostate cancer, hereditary, 9 (HPC9). Identifiers: Orphanet 1331, MedGen C1970250, MONDO:0012597, OMIM 610997.

Submissions (2):

Ambry Genetics
Classification: Likely benign for Hereditary cancer-predisposing syndrome. Last evaluated: 2025-09-17. Review status: criteria provided, single submitter. Criteria: Ambry Variant Classification Scheme 2023. Collection method: clinical testing. Allele origin: germline.

Myriad Genetics, Inc.
Classification: Benign for Prostate cancer, hereditary, 9. Last evaluated: 2024-10-31. Review status: criteria provided, single submitter. Criteria: Myriad Autosomal Dominant, Autosomal Recessive and X-Linked Classification Criteria (2023). Collection method: clinical testing. Allele origin: unknown.
Comment: This variant is considered benign. This variant is a silent/synonymous amino acid change and it is not expected to impact splicing.